The following is an entry in ClinVar:

ClinVar aggregate classification (germline): Uncertain significance (1 of 4 stars; one submission).

Conditions:
CHARGE syndrome (CHARGE). Also called: Hittner Hirsch Kreh syndrome; CHARGE ASSOCIATION--COLOBOMA, HEART ANOMALY, CHOANAL ATRESIA, RETARDATION, GENITAL AND EAR ANOMALIES; Coloboma, heart anomaly, choanal atresia, retardation, genital and ear anomalies; CHARGE association; Hall-Hittner syndrome. Identifiers: Orphanet 138, MedGen C0265354, MONDO:0008965.

gnomAD v4.1: 7 of 1,613,944 alleles (0.00043%); highest among the groups gnomAD compares: East Asian, 0.016%; no homozygotes.

Submission:

Labcorp Genetics (formerly Invitae), Labcorp
Classification: Uncertain significance for CHARGE syndrome. Last evaluated: 2024-02-18. Review status: criteria provided, single submitter. Criteria: Invitae Variant Classification Sherloc (09022015). Collection method: clinical testing. Allele origin: germline.
Comment: This sequence change replaces proline, which is neutral and non-polar, with serine, which is neutral and polar, at codon 94 of the CHD7 protein (p.Pro94Ser). This variant is not present in population databases (gnomAD no frequency). This variant has not been reported in the literature in individuals affected with CHD7-related conditions. Advanced modeling of protein sequence and biophysical properties (such as structural, functional, and spatial information, amino acid conservation, physicochemical variation, residue mobility, and thermodynamic stability) performed at Invitae indicates that this missense variant is not expected to disrupt CHD7 protein function with a negative predictive value of 95%. In summary, the available evidence is currently insufficient to determine the role of this variant in disease. Therefore, it has been classified as a Variant of Uncertain Significance.

NM_017780.4(CHD7):c.280C>T (p.Pro94Ser)

Gene: CHD7 (chromodomain helicase DNA binding protein 7; plus strand). Cytogenetic location: 8q12.2.
Variant type: single nucleotide variant.
Coding change: c.280C>T on transcript NM_017780.4 (MANE Select); coding-DNA position 280, C replaced by T.
Protein change: p.Pro94Ser; replaces proline 94 with serine.
Molecular consequence: missense variant.
Genome position (GRCh38, 1-based): chr8:60,741,712, C>T. VCF-style: chr8-60741712-C-T. GRCh37 (hg19) VCF-style: chr8-61654271-C-T.
Other names: c.280C>T, p.Pro94Ser (NM_001316690.1); short protein forms P94S.
Identifiers: ClinVar variation 3709654 (VCV003709654.2).